The following is an entry in ClinVar:

NM_001384732.1(CPLANE1):c.3563C>G (p.Ser1188Cys)

Gene: CPLANE1 (ciliogenesis and planar polarity effector complex subunit 1; minus strand). Cytogenetic location: 5p13.2.
Variant type: single nucleotide variant.
Coding change: c.3563C>G on transcript NM_001384732.1 (MANE Select); coding-DNA position 3563, C replaced by G.
Protein change: p.Ser1188Cys; replaces serine 1188 with cysteine.
Molecular consequence: missense variant.
Genome position (GRCh38, 1-based): chr5:37,198,811, G>C on the plus strand (C>G on the coding strand, the complement: CPLANE1 is on the minus strand). VCF-style: chr5-37198811-G-C. GRCh37 (hg19) VCF-style: chr5-37198913-G-C.
Other names: c.3563C>G, p.Ser1188Cys (NM_023073.4); short protein forms S1188C.
Identifiers: ClinVar variation 2058417 (VCV002058417.2), dbSNP rs1044536894, ClinGen allele CA117077179.

ClinVar aggregate classification (germline): Uncertain significance (1 of 4 stars; one submission).

Allele frequency attached by ClinVar (database versions not stated): gnomAD exomes below 0.00001; TOPMed below 0.00001.
gnomAD v4.1: 1 of 1,614,054 alleles (0.000062%); highest among the groups gnomAD compares: Admixed American, 0.0017%; no homozygotes.

Submission:

Labcorp Genetics (formerly Invitae), Labcorp
Classification: Uncertain significance. Last evaluated: 2023-11-27. Review status: criteria provided, single submitter. Criteria: Invitae Variant Classification Sherloc (09022015). Collection method: clinical testing. Allele origin: germline.
Comment: This sequence change replaces serine, which is neutral and polar, with cysteine, which is neutral and slightly polar, at codon 1188 of the CPLANE1 protein (p.Ser1188Cys). This variant is present in population databases (no rsID available, gnomAD 0.003%). This variant has not been reported in the literature in individuals affected with CPLANE1-related conditions. ClinVar contains an entry for this variant (Variation ID: 2058417). Advanced modeling of protein sequence and biophysical properties (such as structural, functional, and spatial information, amino acid conservation, physicochemical variation, residue mobility, and thermodynamic stability) has been performed at Invitae for this missense variant, however the output from this modeling did not meet the statistical confidence thresholds required to predict the impact of this variant on CPLANE1 protein function. Algorithms developed to predict the effect of sequence changes on RNA splicing suggest that this variant may disrupt the consensus splice site. In summary, the available evidence is currently insufficient to determine the role of this variant in disease. Therefore, it has been classified as a Variant of Uncertain Significance.